The following is an entry in ClinVar:

NM_007194.4(CHEK2):c.288_289dup (p.Trp97fs)

Gene: CHEK2 (checkpoint kinase 2; minus strand). Cytogenetic location: 22q12.1.
Variant type: Duplication.
Coding change: c.288_289dup on transcript NM_007194.4 (MANE Select); coding-DNA positions 288 to 289, 2 bases duplicated (AT; older notation c.288_289dupAT).
Protein change: p.Trp97fs; shifts the reading frame from tryptophan 97.
Molecular consequence: frameshift variant.
Genome position (GRCh38, 1-based): chr22:28,734,433-28,734,434, AT duplicated on the plus strand (AT on the coding strand, the reverse complement: CHEK2 is on the minus strand); duplicating any 2 consecutive bases within chr22:28,734,433-28,734,435 gives the same sequence; the c. name uses the placement nearest the transcript's 3' end. VCF-style (leftmost placement, unchanged base first): chr22-28734432-C-CAT. GRCh37 (hg19) VCF-style: chr22-29130420-C-CAT.
Other names: c.287_288dup, p.Trp97Tyrfs (NM_001005735.3, NM_001349956.3, NM_145862.3); c.-491_-490dup (NM_001257387.3); short protein forms W97fs.
Identifiers: ClinVar variation 2879953 (VCV002879953.3), dbSNP rs2518127154, ClinGen allele CA2739265657.

ClinVar aggregate classification (germline): Pathogenic (1 of 4 stars; one submission).

Conditions:
Familial cancer of breast. Also called: BREAST CANCER, FAMILIAL; hereditary breast carcinoma; Hereditary breast cancer. Identifiers: Orphanet 227535, MedGen C0346153, MONDO:0016419, OMIM 114480. Disease mechanism: loss of function.

Submission:

Labcorp Genetics (formerly Invitae), Labcorp
Classification: Pathogenic for Familial cancer of breast. Last evaluated: 2023-10-10. Review status: criteria provided, single submitter. Criteria: Invitae Variant Classification Sherloc (09022015). Collection method: clinical testing. Allele origin: germline.
Comment: This sequence change creates a premature translational stop signal (p.Trp97Tyrfs*14) in the CHEK2 gene. It is expected to result in an absent or disrupted protein product. Loss-of-function variants in CHEK2 are known to be pathogenic (PMID: 21876083, 24713400). This variant is not present in population databases (gnomAD no frequency). This variant has not been reported in the literature in individuals affected with CHEK2-related conditions. For these reasons, this variant has been classified as Pathogenic.

Literature cited by the submitters: PubMed 21876083; PubMed 24713400.